The following is an entry in ClinVar:

ClinVar aggregate classification (germline): Benign (1 of 4 stars; one submission).

Allele frequency attached by ClinVar (database versions not stated): gnomAD 0.02192 and 0.02342; 1000 Genomes Project 0.02316; TOPMed 0.02421; 1000 Genomes Project 30x 0.02639.
gnomAD v4.1: 3,307 of 152,246 alleles (2.2%); highest among the groups gnomAD compares: African/African-American, 7.6%; 118 homozygotes.

Submission:

GeneDx
Classification: Benign. Last evaluated: 2018-06-14. Review status: criteria provided, single submitter. Criteria: GeneDx Variant Classification (06012015). Collection method: clinical testing. Allele origin: germline. Affected: yes.
Comment: This variant is considered likely benign or benign based on one or more of the following criteria: it is a conservative change, it occurs at a poorly conserved position in the protein, it is predicted to be benign by multiple in silico algorithms, and/or has population frequency not consistent with disease.

NM_000093.5(COL5A1):c.1882-256C>T

Gene: COL5A1 (collagen type V alpha 1 chain; plus strand). Cytogenetic location: 9q34.3.
Variant type: single nucleotide variant.
Coding change: c.1882-256C>T on transcript NM_000093.5 (MANE Select); 256 bases into the intron before coding-DNA position 1882, C replaced by T.
Molecular consequence: intron variant.
Genome position (GRCh38, 1-based): chr9:134,757,987, C>T. VCF-style: chr9-134757987-C-T. GRCh37 (hg19) VCF-style: chr9-137649833-C-T.
Other names: c.1882-256C>T (NM_001278074.1).
Identifiers: ClinVar variation 673286 (VCV000673286.1), dbSNP rs75558962, ClinGen allele CA13077955.